The following is an entry in ClinVar:

ClinVar aggregate classification (germline): Uncertain significance (1 of 4 stars; one submission).

Conditions:
Hereditary cancer-predisposing syndrome. Also called: Hereditary neoplastic syndrome; Tumor predisposition; Hereditary Cancer Syndrome; Neoplastic Syndromes, Hereditary. Identifiers: Orphanet 140162, MedGen C0027672, MeSH D009386, MONDO:0015356.

Submission:

Ambry Genetics
Classification: Uncertain significance for Hereditary cancer-predisposing syndrome. Last evaluated: 2023-08-23. Review status: criteria provided, single submitter. Criteria: Ambry Variant Classification Scheme 2023. Collection method: clinical testing. Allele origin: germline.
Comment: The p.I263V variant (also known as c.787A>G), located in coding exon 8 of the RB1 gene, results from an A to G substitution at nucleotide position 787. The isoleucine at codon 263 is replaced by valine, an amino acid with highly similar properties. This amino acid position is not well conserved in available vertebrate species. In addition, this alteration is predicted to be tolerated by in silico analysis. Since supporting evidence is limited at this time, the clinical significance of this alteration remains unclear.

NM_000321.3(RB1):c.787A>G (p.Ile263Val)

Gene: RB1 (RB transcriptional corepressor 1; plus strand). Cytogenetic location: 13q14.2.
Variant type: single nucleotide variant.
Coding change: c.787A>G on transcript NM_000321.3 (MANE Select); coding-DNA position 787, A replaced by G.
Protein change: p.Ile263Val; replaces isoleucine 263 with valine.
Molecular consequence: missense variant.
Genome position (GRCh38, 1-based): chr13:48,362,883, A>G. VCF-style: chr13-48362883-A-G. GRCh37 (hg19) VCF-style: chr13-48937019-A-G.
Other names: c.787A>G, p.Ile263Val (NM_001407165.1, NM_001407166.1); short protein forms I263V.
Identifiers: ClinVar variation 2585734 (VCV002585734.2), dbSNP rs2542182112, ClinGen allele CA388159433.
Genomic context (GRCh38, chr13:48,362,883, plus strand): 5'-GTTATACCCATTAATGGTTCACCTCGAACACCCAGGCGAGGTCAGAACAGGAGTGCACGG[A>G]TAGCAAAACAACTAGAAAATGATACAAGAATTATTGAAGTTCTCTGTAAAGAACATGAAT-3'
Protein context (NP_000312.2, residues 253-273): PRRGQNRSAR[Ile263Val]AKQLENDTRI